The following is an entry in ClinVar:

ClinVar aggregate classification (germline): Uncertain significance (1 of 4 stars; one submission).

Conditions:
Mosaic variegated aneuploidy syndrome 1 (MVA1). Also called: Warburton-Anyane-Yeboa syndrome. Identifiers: Orphanet 1052, MedGen C1850343, MONDO:0009759, OMIM 257300.

Submission:

St. Jude Molecular Pathology, St. Jude Children's Research Hospital
Classification: Uncertain significance for Mosaic variegated aneuploidy syndrome 1. Last evaluated: 2024-01-25. Review status: criteria provided, single submitter. Criteria: St. Jude Assertion Criteria 2020. Collection method: clinical testing. Allele origin: germline.
Comment: The BUB1B c.2843C>T (p.Pro948Leu) missense change is absent in gnomAD v2.1.1. The in silico tool REVEL predicts a benign effect on protein function, but to our knowledge this prediction has not been confirmed by functional studies. To our knowledge, this variant has not been reported in individuals with mosaic variegated aneuploidy syndrome. In summary, the evidence currently available is insufficient to determine the role of this variant in mosaic variegated aneuploidy syndrome. It has therefore been classified as of uncertain significance.

NM_001211.6(BUB1B):c.2843C>T (p.Pro948Leu)

Genes: BUB1B (BUB1 mitotic checkpoint serine/threonine kinase B; plus strand), BUB1B-PAK6 (BUB1B-PAK6 readthrough; plus strand). Cytogenetic location: 15q15.1.
Variant type: single nucleotide variant.
Coding change: c.2843C>T on transcript NM_001211.6 (MANE Select); coding-DNA position 2843, C replaced by T.
Protein change: p.Pro948Leu; replaces proline 948 with leucine.
Molecular consequence: missense variant. On other transcripts: 5 prime UTR variant (2).
Genome position (GRCh38, 1-based): chr15:40,217,660, C>T. VCF-style: chr15-40217660-C-T. GRCh37 (hg19) VCF-style: chr15-40509861-C-T.
Other names: c.-208C>T (NM_001128628.3); c.-125C>T (NM_001128629.3); short protein forms P948L.
Identifiers: ClinVar variation 3377818 (VCV003377818.1).
Genomic context (GRCh38, chr15:40,217,660, plus strand): 5'-GCGGCTTTCGGACTGTACAGATCCTGGAAGGACAAAAGATCCTGGCTAACTGTTCTTCTC[C>T]CTACCAGGTAAGTGTAAAACAAGCCTGAGCAAATATGGAGAGGGTTTCTTAATCTCTTTA-3'
Protein context (NP_001202.5, residues 938-958): GQKILANCSS[Pro948Leu]YQVDLFGIAD